The following is an entry in ClinVar:

NM_003978.5(PSTPIP1):c.94G>A (p.Gly32Ser)

Gene: PSTPIP1 (proline-serine-threonine phosphatase interacting protein 1; plus strand). Cytogenetic location: 15q24.3.
Variant type: single nucleotide variant.
Coding change: c.94G>A on transcript NM_003978.5 (MANE Select); coding-DNA position 94, G replaced by A.
Protein change: p.Gly32Ser; replaces glycine 32 with serine.
Molecular consequence: missense variant. On other transcripts: non-coding transcript variant (1).
Genome position (GRCh38, 1-based): chr15:77,018,205, G>A. VCF-style: chr15-77018205-G-A. GRCh37 (hg19) VCF-style: chr15-77310546-G-A.
Other names: c.94G>A, p.Gly32Ser (NM_001321135.2, NM_001411086.1); c.67G>A, p.Gly23Ser (NM_001321136.2); c.289G>A, p.Gly97Ser (NM_001321137.1); short protein forms G23S, G32S, G97S.
Identifiers: ClinVar variation 2753581 (VCV002753581.3), dbSNP rs2542743003, ClinGen allele CA393518245.

ClinVar aggregate classification (germline): Uncertain significance (1 of 4 stars; one submission).

Conditions:
Pyogenic arthritis-pyoderma gangrenosum-acne syndrome (PAPA). Also called: FAMILIAL RECURRENT ARTHRITIS; PAPA SYNDROME. Identifiers: Orphanet 69126, MedGen C1858361, MONDO:0011462, OMIM 604416.

Submission:

Labcorp Genetics (formerly Invitae), Labcorp
Classification: Uncertain significance for Pyogenic arthritis-pyoderma gangrenosum-acne syndrome. Last evaluated: 2023-08-17. Review status: criteria provided, single submitter. Criteria: Invitae Variant Classification Sherloc (09022015). Collection method: clinical testing. Allele origin: germline.
Comment: Advanced modeling of protein sequence and biophysical properties (such as structural, functional, and spatial information, amino acid conservation, physicochemical variation, residue mobility, and thermodynamic stability) has been performed at Invitae for this missense variant, however the output from this modeling did not meet the statistical confidence thresholds required to predict the impact of this variant on PSTPIP1 protein function. In summary, the available evidence is currently insufficient to determine the role of this variant in disease. Therefore, it has been classified as a Variant of Uncertain Significance. This variant has not been reported in the literature in individuals affected with PSTPIP1-related conditions. This sequence change replaces glycine, which is neutral and non-polar, with serine, which is neutral and polar, at codon 32 of the PSTPIP1 protein (p.Gly32Ser). This variant is not present in population databases (gnomAD no frequency).